The following is an entry in ClinVar:

ClinVar aggregate classification (germline): Conflicting classifications of pathogenicity. Review status: criteria provided, conflicting classifications (1 of 4 stars). 5 submissions from 5 submitters: Uncertain significance (3); Likely benign (1). 1 of the submissions does not count toward it. Last evaluated 2025-05-28.

Conditions:
Familial cancer of breast. Also called: hereditary breast carcinoma; BREAST CANCER, FAMILIAL; Hereditary breast cancer. Identifiers: Orphanet 227535, MedGen C0346153, MONDO:0016419, OMIM 114480. Disease mechanism: loss of function.
Breast-ovarian cancer, familial, susceptibility to, 2 (BROVCA2). Also called: BRCA2 Hereditary Breast and Ovarian Cancer. Identifiers: Orphanet 145, MedGen C2675520, MONDO:0012933, OMIM 612555. Disease mechanism: loss of function.
Wilms tumor 1 (WT1). Also called: Wilms tumor, somatic. Identifiers: Orphanet 654, MedGen CN033288, MONDO:0008679, OMIM 194070.
Pancreatic cancer, susceptibility to, 2. Identifiers: Orphanet 1333, MedGen C3150546, MONDO:0013235, OMIM 613347.
Glioma susceptibility 3 (GLM3). Also called: Glioblastoma 3. Identifiers: Orphanet 182067, Orphanet 360, MedGen C2751641, MONDO:0013093, OMIM 613029.
Familial prostate cancer. Also called: Hereditary Prostate Cancer. Identifiers: MedGen C2931456, MONDO:0700275, OMIM 176807.
Fanconi anemia complementation group D1. Also called: BRCA2-Related Fanconi Anemia. Identifiers: Orphanet 319462, MedGen C1838457, MONDO:0011584, OMIM 605724.
Medulloblastoma (MDB). Also called: Medulloblastoma, somatic; MEDULLOBLASTOMA PREDISPOSITION SYNDROME. Identifiers: Orphanet 616, MedGen C0025149, MeSH D008527, MONDO:0007959, OMIM 155255, HP:0002885.
Hereditary cancer-predisposing syndrome. Also called: Neoplastic Syndromes, Hereditary; Tumor predisposition; Hereditary neoplastic syndrome; Hereditary Cancer Syndrome. Identifiers: Orphanet 140162, MedGen C0027672, MeSH D009386, MONDO:0015356.
Hereditary breast ovarian cancer syndrome. Also called: Hereditary breast and ovarian cancer syndrome; Hereditary breast and ovarian cancer syndrome (HBOC); Breast and ovarian cancer; BRCA1- and BRCA2-Associated Hereditary Breast and Ovarian Cancer; Hereditary breast and/or ovarian cancer syndrome; Hereditary breast and ovarian cancer. Identifiers: Orphanet 145, MedGen C0677776, MeSH D061325, MONDO:0003582. Disease mechanism: loss of function.

Allele frequency attached by ClinVar (database versions not stated): gnomAD exomes below 0.00001.
gnomAD v4.1: 3 of 1,613,498 alleles (0.00019%); highest among the groups gnomAD compares: Middle Eastern, 0.033%; no homozygotes.

Submissions (5):

Labcorp Genetics (formerly Invitae), Labcorp
Classification: Uncertain significance for Hereditary breast ovarian cancer syndrome. Last evaluated: 2025-05-28. Review status: criteria provided, single submitter. Criteria: Invitae Variant Classification Sherloc (09022015). Collection method: clinical testing. Allele origin: germline.
Comment: This sequence change replaces valine, which is neutral and non-polar, with alanine, which is neutral and non-polar, at codon 2966 of the BRCA2 protein (p.Val2966Ala). This variant is present in population databases (no rsID available, gnomAD 0.0009%). This variant has not been reported in the literature in individuals affected with BRCA2-related conditions. ClinVar contains an entry for this variant (Variation ID: 231093). Invitae Evidence Modeling incorporating data from in vitro experimental studies (PMID: 33609447) indicates that this missense variant is not expected to disrupt BRCA2 function with a negative predictive value of 95%. In summary, the available evidence is currently insufficient to determine the role of this variant in disease. Therefore, it has been classified as a Variant of Uncertain Significance.

Fulgent Genetics
Classification: Uncertain significance for Familial cancer of breast; Medulloblastoma; Familial prostate cancer; Wilms tumor 1; Fanconi anemia complementation group D1; Breast-ovarian cancer, familial, susceptibility to, 2; Glioma susceptibility 3; Pancreatic cancer, susceptibility to, 2. Last evaluated: 2024-05-02. Review status: criteria provided, single submitter. Criteria: ACMG Guidelines, 2015. Collection method: clinical testing. Allele origin: germline.

Ambry Genetics
Classification: Likely benign for Hereditary cancer-predisposing syndrome. Last evaluated: 2020-03-04. Review status: criteria provided, single submitter. Criteria: Ambry Variant Classification Scheme 2023. Collection method: clinical testing. Allele origin: germline.

Color Diagnostics, LLC DBA Color Health
Classification: Uncertain significance for Hereditary cancer-predisposing syndrome. Last evaluated: 2019-12-05. Review status: criteria provided, single submitter. Criteria: ACMG Guidelines, 2015. Collection method: clinical testing. Allele origin: germline.
Comment: This missense variant replaces valine with alanine at codon 2966 of the BRCA2 protein. Computational prediction is inconclusive regarding the impact of this variant on protein structure and function (internally defined REVEL score threshold 0.5 < inconclusive < 0.7, PMID: 27666373). Splice site prediction tools suggest that this variant may not impact RNA splicing. Functional studies have shown this variant as functionally proficient in homology-directed DNA repair and rescue of cisplatin sensitivity assays (PMID: 29884841, 29988080). This variant has been reported in individual(s) who met Dutch clinical genetic testing guideline (PMID: 29988080). This variant has been identified in 1/249904 chromosomes in the general population by the Genome Aggregation Database (gnomAD). The available evidence is insufficient to determine the role of this variant in disease conclusively. Therefore, this variant is classified as a Variant of Uncertain Significance.

Department of Pathology and Laboratory Medicine, Sinai Health System
Classification: Uncertain significance. Review status: no assertion criteria provided. Collection method: clinical testing. Allele origin: unknown. Affected: yes. Study: The Canadian Open Genetics Repository (COGR). Not counted in ClinVar's aggregate classification.
Comment: The BRCA2 p.Val2966Ala variant was identified in the literature however the frequency of this variant in an affected population was not provided (Mesman 2019). The variant was also identified in dbSNP (ID: rs876658955) as "With Uncertain significance allele", ClinVar (classified as uncertain significance by Ambry Genetics and Invitae).The variant was not identified in the LOVD 3.0 or UMD-LSDB databases. The variant was identified in control databases in 1 of 244734 chromosomes at a frequency of 0.000004 (Genome Aggregation Database Feb 27, 2017). The variant was observed in the following populations: European Non-Finnish in 1 of 110710 chromosomes (freq: 0.000009), while the variant was not observed in the African, Other, Latino, Ashkenazi Jewish, East Asian, European Finnish, and South Asian populations. In a mouse embryonic stem cell (mESC)-based functional assay evaluating complementation by BRCA2 variants of the cell lethal phenotype imposed by Cre-mediated loss of Brca2 as visualized by methylene blue (MB) staining of arising hypoxanthineâ€šÃ„Ã¬aminopterinâ€šÃ„Ã¬thymidine (HAT) resistant clones, as well as homology directed repair (HDR) and sensitivity to the DNA crosslinking agent cisplatin, this variant demonstrated positive MB staining, 62% HDR activity and 65% cisplatin sensitivity, which was comparable to the nonpathogenic variants tested, and suggests a more neutral role for this variant (Mesman 2019). The p.Val2966 residue is conserved in mammals and computational analyses (PolyPhen-2, SIFT, AlignGVGD, BLOSUM, MutationTaster) provide inconsistent predictions regarding the impact to the protein; this information is not very predictive of pathogenicity. The variant occurs outside of the splicing consensus sequence and in silico or computational prediction software programs (SpliceSiteFinder, MaxEntScan, NNSPLICE, GeneSplicer) do not predict a difference in splicing. In summary, based on the above information the clinical significance of this variant cannot be determined with certainty at this time. This variant is classified as a variant of uncertain significance.

Literature cited by the submitters: PubMed 33609447 (cited by Labcorp Genetics (formerly Invitae), Labcorp); PubMed 29884841 (cited by Ambry Genetics); PubMed 29988080 (cited by Ambry Genetics).

NM_000059.4(BRCA2):c.8897T>C (p.Val2966Ala)

Gene: BRCA2 (BRCA2 DNA repair associated; plus strand). Cytogenetic location: 13q13.1.
Variant type: single nucleotide variant.
Coding change: c.8897T>C on transcript NM_000059.4 (MANE Select); coding-DNA position 8897, T replaced by C.
Protein change: p.Val2966Ala; replaces valine 2966 with alanine.
Molecular consequence: missense variant.
Genome position (GRCh38, 1-based): chr13:32,379,459, T>C. VCF-style: chr13-32379459-T-C. GRCh37 (hg19) VCF-style: chr13-32953596-T-C.
Other names: short protein forms V2966A.
Identifiers: ClinVar variation 231093 (VCV000231093.18), dbSNP rs876658955, ClinGen allele CA10579801.
Genomic context (GRCh38, chr13:32,379,459, plus strand): 5'-TGGAAATTAGGAAGGCCATGGAATCTGCTGAACAAAAGGAACAAGGTTTATCAAGGGATG[T>C]CACAACCGTGTGGAAGTTGCGTATTGTAAGCTATTCAAAAAAAGAAAAAGATTCAGGTAA-3'
Protein context (NP_000050.3, residues 2956-2976): EQKEQGLSRD[Val2966Ala]TTVWKLRIVS